The following is an entry in ClinVar:

ClinVar aggregate classification (germline): Uncertain significance (1 of 4 stars; one submission).

Conditions:
Tip-toe gait. Also called: Toe walking. Identifiers: MedGen C0427144, HP:0030051.

Submission:

Practice for Gait Abnormalities, David Pomarino, Competency Network Toe Walking C/o Practice Pomarino
Classification: Uncertain significance for Tip-toe gait. Last evaluated: 2020-11-10. Review status: criteria provided, single submitter. Criteria: ACMG Guidelines, 2015. Collection method: clinical testing. Allele origin: unknown. Affected: yes.
Comment: Myopathy refers to diseases that affect skeletal Muscles. These diseases attack muscle fibers, making muscles weak. Inherited myopathies are often caused by inheriting an abnormal gene mutation from a parent that causes the disease. Symptoms of congenital myopathies usually start at birth or in early childhood, but may not appear until the teen years or even later in adulthood. Congenital myopathies are somewhat unique compared with other inherited myopathies, as weakness typically affects all muscles and is often not progressive. Symptoms are: Muscle weakness, most commonly of upper arms and shoulders and thighs, muscle cramps, stiffness and spasms, fatigue with exertion and lack of energy. Our patients all walk on tiptoe, so they show similar symptoms. When we genetically test them with our toe walking panel, we find that around 90 per cent of them have a genetic variant that explains their toe walking. These can be assigned, for example, to the area of myopathies (such as variants of the COL6A3 gene), the area of hereditary neuropathies (such as variants of the KMT2C gene) or the area of metabolic diseases (such as variants of the PYGM gene). In a smaller group of patients with almost identical symptoms, no abnormality is found in the genes of our panel, but spastic paraplegia can be detected. In another small group of our toe walkers, no abnormalities can be detected in the genes analysed in our toe walking panel, nor do they suffer from spastic paraplegia, as is also the case with healthy children. In contrast to these, however, they show a tiptoe gait. These patients suffer from infantile cerebral palsy, in which toe walking can also be observed.

Literature cited by the submitters: PubMed 37091313.

NM_001267550.2(TTN):c.14920A>C (p.Thr4974Pro)

Gene: TTN (titin; minus strand). Cytogenetic location: 2q31.2.
Variant type: single nucleotide variant.
Coding change: c.14920A>C on transcript NM_001267550.2 (MANE Select); coding-DNA position 14920, A replaced by C.
Protein change: p.Thr4974Pro; replaces threonine 4974 with proline.
Molecular consequence: missense variant. On other transcripts: intron variant (3).
Genome position (GRCh38, 1-based): chr2:178,735,526, T>G on the plus strand (A>C on the coding strand, the complement: TTN is on the minus strand). VCF-style: chr2-178735526-T-G. GRCh37 (hg19) VCF-style: chr2-179600253-T-G.
Other names: c.13969A>C, p.Thr4657Pro (NM_001256850.1); c.11188A>C, p.Thr3730Pro (NM_133378.4); c.13282+2556A>C (NM_003319.4); c.13858+2556A>C (NM_133437.4); c.13657+2556A>C (NM_133432.3); short protein forms T3730P, T4657P, T4974P.
Identifiers: ClinVar variation 1050798 (VCV001050798.3), dbSNP rs1050370854, ClinGen allele CA349596131.